The following is an entry in ClinVar:

NM_015272.5(RPGRIP1L):c.230+699dup

Gene: RPGRIP1L (RPGRIP1 like; minus strand). Cytogenetic location: 16q12.2.
Variant type: Duplication.
Coding change: c.230+699dup on transcript NM_015272.5 (MANE Select); 699 bases into the intron after coding-DNA position 230, one base duplicated (A; older notation c.230+699dupA).
Molecular consequence: intron variant. On other transcripts: frameshift variant (1).
Genome position (GRCh38, 1-based): chr16:53,695,452, T duplicated on the plus strand (A on the coding strand, the reverse complement: RPGRIP1L is on the minus strand); the first of 3 consecutive T bases (chr16:53,695,452-53,695,454); duplicating any one gives the same sequence. VCF-style (leftmost placement, unchanged base first): chr16-53695451-C-CT. GRCh37 (hg19) VCF-style: chr16-53729363-C-CT.
Other names: c.237dup, p.Glu80fs (NM_001328422.2); c.230+699dup (NM_001127897.4, NM_001330538.2, NM_001308334.3); short protein forms E80fs.
Identifiers: ClinVar variation 4981547 (VCV004981547.1).
Genomic context (GRCh38, chr16:53,695,451, plus strand): 5'-TAGGATGGATTCTAAGCAGAAAAACCCTATTTTCATTCTTCAATGGTTGTCTCACCTTTT[C>CT]TTTGAACCTAGAACATAAATATGAATACAGACCTGCTCATGATTACACATCTGAACACAC-3'

ClinVar aggregate classification (germline): Uncertain significance (1 of 4 stars; one submission).

Conditions:
RPGRIP1L-related disorder. Also called: RPGRIP1L-related disorders; RPGRIP1L-related condition. Identifiers: MedGen CN239416.

Submission:

PreventionGenetics, part of Exact Sciences
Classification: Uncertain significance for RPGRIP1L-related condition. Last evaluated: 2026-04-12. Review status: criteria provided, single submitter. Criteria: ACMG Guidelines, 2015. Collection method: clinical testing. Allele origin: germline.
Comment: The RPGRIP1L c.237dupA variant is predicted to result in a frameshift and premature protein termination (p.Glu80Argfs*10). To our knowledge, this variant has not been reported in the literature. This variant corresponds to a deep intronic position in the NM_015272 transcript for this gene. This variant is reported in 0.0029% of alleles in individuals of European (Non-Finnish) descent in gnomAD. At this time, the clinical significance of this variant is uncertain due to the absence of conclusive functional and genetic evidence.